The following is an entry in ClinVar:

NM_000051.4(ATM):c.1095del (p.Ile366fs)

Gene: ATM (ATM serine/threonine kinase; plus strand). Cytogenetic location: 11q22.3.
Variant type: Deletion.
Coding change: c.1095del on transcript NM_000051.4 (MANE Select); coding-DNA position 1095, one base deleted (G; older notation c.1095delG).
Protein change: p.Ile366fs; shifts the reading frame from isoleucine 366.
Molecular consequence: frameshift variant.
Genome position (GRCh38, 1-based): chr11:108,248,962, G deleted. VCF-style (leftmost placement, unchanged base first): chr11-108248961-AG-A. GRCh37 (hg19) VCF-style: chr11-108119688-AG-A.
Other names: c.1095delG (NM_000051.4); c.1095del, p.Ile366fs (NM_001351834.2); short protein forms I366fs.
Identifiers: ClinVar variation 4294404 (VCV004294404.1), dbSNP rs2079990109.

ClinVar aggregate classification (germline): Likely pathogenic (1 of 4 stars; one submission).

Conditions:
Hereditary cancer-predisposing syndrome. Also called: Hereditary neoplastic syndrome; Tumor predisposition; Hereditary Cancer Syndrome; Neoplastic Syndromes, Hereditary. Identifiers: Orphanet 140162, MedGen C0027672, MeSH D009386, MONDO:0015356.

Submission:

Institute for Biomarker Research, Medical Diagnostic Laboratories, L.L.C.
Classification: Likely pathogenic for Hereditary cancer-predisposing syndrome. Last evaluated: 2025-10-14. Review status: criteria provided, single submitter. Criteria: ACMG Guidelines, 2015. Collection method: clinical testing. Allele origin: germline.
Comment: The frameshift deletion NM_000051.4(ATM):c.1095delG (p.Ile366Phefs*24) has not been reported previously as a pathogenic variant nor as a benign variant, to our knowledge. This variant is predicted to cause loss of normal protein function through protein truncation caused a frameshift mutation. The frame shifted sequence continues 24 residues until a stop codon is reached. This variant is a frameshift variant which occurs in an exon of ATM upstream of where nonsense mediated decay is predicted to occur. The p.Ile366Phefs*24 variant is a loss of function variant in the gene ATM, which is intolerant of Loss of Function variants, as indicated by the presence of existing pathogenic loss of function variant NP_000042.3:p.M1L and 2851 others. For these reasons, this variant has been classified as Likely Pathogenic.